The following is an entry in ClinVar:

ClinVar aggregate classification (germline): Pathogenic (1 of 4 stars; one submission).

Conditions:
Nemaline myopathy 2 (NEM2). Also called: Nemaline myopathy 2, autosomal recessive. Identifiers: MedGen C1850569, MONDO:0009725, OMIM 256030.

Submission:

Myriad Genetics, Inc.
Classification: Pathogenic for Nemaline myopathy 2. Last evaluated: 2026-06-05. Review status: criteria provided, single submitter. Criteria: Myriad Autosomal Dominant, Autosomal Recessive and X-Linked Classification Criteria (2023). Collection method: clinical testing. Allele origin: unknown.
Comment: NM_001271208.1(NEB):c.11750_11751delTT(I3917Nfs*12) is expected to be pathogenic in the context of NEB-related nemaline myopathy. This variant is predicted to lead to an abnormal or absent protein product due to the creation of a premature termination codon in NEB, a gene where loss-of-function variants are known to be pathogenic. Please note: this variant was assessed in the context of healthy population screening.

NM_001164508.2(NEB):c.11750_11751del (p.Ile3917fs)

Gene: NEB (nebulin; minus strand). Cytogenetic location: 2q23.3.
Variant type: Deletion.
Coding change: c.11750_11751del on transcript NM_001164508.2 (MANE Select); coding-DNA positions 11750 to 11751, 2 bases deleted (TT; older notation c.11750_11751delTT).
Protein change: p.Ile3917fs; shifts the reading frame from isoleucine 3917.
Molecular consequence: frameshift variant.
Genome position (GRCh38, 1-based): chr2:151,612,240-151,612,241, AA deleted on the plus strand (TT on the coding strand, the reverse complement: NEB is on the minus strand). VCF-style (leftmost placement, unchanged base first): chr2-151612239-TAA-T. GRCh37 (hg19) VCF-style: chr2-152468753-TAA-T.
Other names: c.11750_11751del, p.Ile3917fs (NM_001164507.2, NM_001271208.2); c.11021_11022del, p.Ile3674fs (NM_004543.5); short protein forms I3674fs, I3917fs.
Identifiers: ClinVar variation 5015997 (VCV005015997.1).